The following is an entry in ClinVar:

ClinVar aggregate classification (germline): Pathogenic (1 of 4 stars; one submission).

Submission:

Labcorp Genetics (formerly Invitae), Labcorp
Classification: Pathogenic. Last evaluated: 2025-09-08. Review status: criteria provided, single submitter. Criteria: Invitae Variant Classification Sherloc (09022015). Collection method: clinical testing. Allele origin: germline.
Comment: This sequence change replaces glycine, which is neutral and non-polar, with aspartic acid, which is acidic and polar, at codon 2073 of the COL7A1 protein (p.Gly2073Asp). This variant is not present in population databases (gnomAD no frequency). This missense change has been observed in individual(s) with autosomal dominant epidermolysis bullosa dystrophica (PMID: 38368142). In at least one individual the variant was observed to be de novo. This variant has been reported in individual(s) with autosomal recessive epidomolysis bullosa dystrophica (PMID: 8757758, 32978145); however, the role of the variant in this condition is currently unclear. This variant is also known as substitution at codon 6218. ClinVar contains an entry for this variant (Variation ID: 2203365). Experimental studies and prediction algorithms are not available or were not evaluated, and the functional significance of this variant is currently unknown. This variant disrupts the triple helix domain of COL7A1. Glycine residues within the Gly-Xaa-Yaa repeats of the triple helix domain are required for the structure and stability of fibrillar collagens (PMID: 7695699, 8218237, 19344236), and variants at these glycine residues in COL7A1 are more frequently observed in individuals with disease than in the general population (PMID: 22058051). However, the clinical significance of this observation remains uncertain since only a limited number of affected individuals have been described to date. This variant disrupts the p.Gly2073 amino acid residue in COL7A1. Other variant(s) that disrupt this residue have been determined to be pathogenic (PMID: 16965329, 29963685). This suggests that this residue is clinically significant, and that variants that disrupt this residue are likely to be disease-causing. For these reasons, this variant has been classified as Pathogenic.

Literature cited by the submitters: PubMed 38368142; PubMed 8757758; PubMed 32978145; PubMed 7695699; PubMed 8218237; PubMed 19344236; PubMed 22058051; PubMed 16965329; PubMed 29963685.

NM_000094.4(COL7A1):c.6218G>A (p.Gly2073Asp)

Gene: COL7A1 (collagen type VII alpha 1 chain; minus strand). Cytogenetic location: 3p21.31.
Variant type: single nucleotide variant.
Coding change: c.6218G>A on transcript NM_000094.4 (MANE Select); coding-DNA position 6218, G replaced by A.
Protein change: p.Gly2073Asp; replaces glycine 2073 with aspartic acid.
Molecular consequence: missense variant.
Genome position (GRCh38, 1-based): chr3:48,575,125, C>T on the plus strand (G>A on the coding strand, the complement: COL7A1 is on the minus strand). VCF-style: chr3-48575125-C-T. GRCh37 (hg19) VCF-style: chr3-48612558-C-T.
Other names: short protein forms G2073D.
Identifiers: ClinVar variation 2203365 (VCV002203365.4), dbSNP rs121912848, ClinGen allele CA352662436.